The following is an entry in ClinVar:

NM_014244.5(ADAMTS2):c.117_118delinsGGGGGCAGCTGGAGCCGC (p.Ala40fs)

Gene: ADAMTS2 (ADAM metallopeptidase with thrombospondin type 1 motif 2; minus strand). Cytogenetic location: 5q35.3.
Variant type: Indel.
Coding change: c.117_118delinsGGGGGCAGCTGGAGCCGC on transcript NM_014244.5 (MANE Select); coding-DNA positions 117 to 118, CG replaced by GGGGGCAGCTGGAGCCGC.
Protein change: p.Ala40fs; shifts the reading frame from alanine 40.
Molecular consequence: frameshift variant.
Genome position (GRCh38, 1-based): chr5:179,345,211-179,345,212, CG replaced by GCGGCTCCAGCTGCCCCC on the plus strand (CG replaced by GGGGGCAGCTGGAGCCGC on the coding strand, the reverse complement: ADAMTS2 is on the minus strand). VCF-style: chr5-179345211-CG-GCGGCTCCAGCTGCCCCC. GRCh37 (hg19) VCF-style: chr5-178772212-CG-GCGGCTCCAGCTGCCCCC.
Other names: c.117_118delinsGGGGGCAGCTGGAGCCGC, p.Ala40fs (NM_021599.4); short protein forms A40fs.
Identifiers: ClinVar variation 5015485 (VCV005015485.1).
Genomic context (GRCh38, chr5:179,345,211, plus strand): 5'-GGCGGGGGTCCCGGGGAGTAGGGGCCGGGCCGCACCTACCTGGGGGGTCGGCGGCGGCGG[CG>GCGGCTCCAGCTGCCCCC]AGCCTGGCGTTCGCGGGCGGCGGCGGCGGCGGCAGGAGCGGCGGCGGCAGCAGCAGCAGC-3'

ClinVar aggregate classification (germline): Pathogenic (1 of 4 stars; one submission).

Conditions:
Ehlers-Danlos syndrome, dermatosparaxis type. Also called: EDS VIIC; Dermatosparaxis; Ehlers-Danlos syndrome, type VII, autosomal recessive. Identifiers: Orphanet 1901, MedGen C2700425, MONDO:0009161, OMIM 225410.

Submission:

Myriad Genetics, Inc.
Classification: Pathogenic for Ehlers-Danlos syndrome, dermatosparaxis type. Last evaluated: 2024-05-14. Review status: criteria provided, single submitter. Criteria: Myriad Autosomal Dominant, Autosomal Recessive and X-Linked Classification Criteria (2023). Collection method: clinical testing. Allele origin: unknown.
Comment: NM_014244.4(ADAMTS2):c.117_118del2ins18(A40Gfs*31) is expected to be pathogenic in the context of Ehlers-Danlos syndrome, ADAMTS2-related. This variant is predicted to lead to an abnormal or absent protein product due to the creation of a premature termination codon in ADAMTS2, a gene where loss-of-function variants are known to be pathogenic. Please note: this variant was assessed in the context of healthy population screening.